The following is an entry in ClinVar:

NM_004004.6(GJB2):c.571T>C (p.Phe191Leu)

Gene: GJB2 (gap junction protein beta 2; minus strand). Cytogenetic location: 13q12.11.
Variant type: single nucleotide variant.
Coding change: c.571T>C on transcript NM_004004.6 (MANE Select); coding-DNA position 571, T replaced by C.
Protein change: p.Phe191Leu; replaces phenylalanine 191 with leucine.
Molecular consequence: missense variant.
Genome position (GRCh38, 1-based): chr13:20,189,011, A>G on the plus strand (T>C on the coding strand, the complement: GJB2 is on the minus strand). VCF-style: chr13-20189011-A-G. GRCh37 (hg19) VCF-style: chr13-20763150-A-G.
Other names: NM_004004.5(GJB2):c.571T>C; short protein forms F191L.
Identifiers: ClinVar variation 44760 (VCV000044760.42), dbSNP rs397516878, ClinGen allele CA134989.

ClinVar aggregate classification (germline): Uncertain significance. Review status: reviewed by expert panel (3 of 4 stars). 17 submissions from 17 submitters: Uncertain significance (1). 16 of the submissions do not count toward it. Last evaluated 2018-09-24.

Conditions:
Ichthyosis, hystrix-like, with hearing loss. Also called: Hystrix-like ichthyosis with deafness. Identifiers: Orphanet 477, MedGen C1865234, MONDO:0011245.
Palmoplantar keratoderma-deafness syndrome. Also called: Keratoderma palmoplantar, with deafness; Palmoplantar keratoderma and sensorineural deafness; Hereditary palmoplantar keratoderma with deafness (subtype); Focal palmoplantar keratoderma with sensorineural deafness (subtype); Diffuse palmoplantar keratoderma with deafness (subtype). Identifiers: Orphanet 2202, MedGen C1835672, MONDO:0007852, OMIM 148350.
Knuckle pads, deafness AND leukonychia syndrome. Also called: Bart-Pumphrey syndrome. Identifiers: Orphanet 2698, MedGen C0266004, MONDO:0007866, OMIM 149200.
X-linked mixed hearing loss with perilymphatic gusher. Also called: Gusher syndrome; NANCE DEAFNESS; PERILYMPHATIC GUSHER-DEAFNESS SYNDROME; SENSORINEURAL DEAFNESS, PROFOUND, WITH OR WITHOUT A CONDUCTIVE COMPONENT, ASSOCIATED WITH A UNIQUE DEVELOPMENTAL ABNORMALITY OF THE EAR; Deafness, X-linked 2. Identifiers: Orphanet 383, MedGen C1844678, MONDO:0010576, OMIM 304400.
Mutilating keratoderma (VOWNKL). Also called: Keratoderma hereditarium mutilans. Identifiers: Orphanet 494, MedGen C0265964, MONDO:0007422, OMIM 124500.
Autosomal recessive nonsyndromic hearing loss 1A (DFNB1A). Also called: Connexin 26 deafness; Deafness nonsyndromic, Connexin 26 linked; GJB6-Related DFNB 1 Nonsyndromic Hearing Loss and Deafness; Deafness, autosomal recessive 1A; Nonsyndromic Hearing Loss and Deafness, DFNB1; GJB2-Related Autosomal Recessive Nonsyndromic Hearing Loss. Identifiers: Orphanet 90636, MedGen C2673759, MONDO:0009076, OMIM 220290.
Autosomal dominant keratitis-ichthyosis-hearing loss syndrome. Also called: Senter syndrome; KID SYNDROME, AUTOSOMAL DOMINANT; HID SYNDROME. Identifiers: Orphanet 477, MedGen C0265336, MONDO:0007850, OMIM 148210.
Autosomal dominant nonsyndromic hearing loss 3A. Identifiers: Orphanet 90635, MedGen C2675750, MONDO:0011103, OMIM 601544.
GJB2-related disorder. Also called: GJB2-related condition; GJB2-related disorders. Identifiers: MedGen CN382183, MONDO:1060236.
Hearing loss. Identifiers: MedGen C3887873.

Allele frequency attached by ClinVar (database versions not stated): gnomAD 0.00003 and 0.00004; ExAC 0.00015; 1000 Genomes Project 0.00020; TOPMed 0.00009; gnomAD exomes 0.00014 and 0.00003; 1000 Genomes Project 30x 0.00016.

Submissions 1 to 5 of 17:

ClinGen Hearing Loss Variant Curation Expert Panel
Classification: Uncertain significance. Last evaluated: 2018-09-24. Review status: reviewed by expert panel. Criteria: ClinGen HL ACMG Specifications v1. Collection method: curation. Allele origin: germline.
Comment: The c.571T>C (p.Phe191Leu) variant in GJB2 has been reported in over 19 Asian probands in the literature. However, a case control comparison using Chi-squared analysis did not show a statistical significance between cases and controls in the published studies, or between cases and East Asians in gnomAD (case chromosomes= 19/16415, control chromosomes = 6/8626, 36/18870 East Asian chromosomes in gnomAD; PMIDs 19366456, 15700112, 23826813, 27247933, 27792752, 12792423, 12560944, 19043807, 27627659, 20497192 and DOI 10.1016/S1672-2930(07)50004-8). The filtering allele frequency of the p.Phe191Leu variant in the GJB2 gene is 0.14% for East Asian chromosomes in gnomAD (36/18870 with 95% CI), which is a higher frequency than would be expected for an autosomal recessive pathogenic variant based on the thresholds defined by the ClinGen Hearing Loss Expert Panel (BS1_Supporting). This variant has been detected in 1 individual with hearing loss who was homozygous for the variant, and in 4 compound heterozygous individuals who had a second pathogenic GJB2 variant identified (3 with p.Val37Ile and 1 with c.235delC) (Oguchi 2005 PMID: 15700112; ARUP SCV000603821; Partners Lab for Molecular Medicine SCV000061527). Phase was not confirmed for any of these individuals. It is possible that these homozygous and compound heterozygous observations are due to the relatively high allele frequencies of these variants in gnomAD and therefore PM3 was downgraded (PM3_Supporting). In addition, this variant was reported in the homozygous state in a normal hearing parent (BS2, Wattanasirichiagoon 2004, PMID 15479191). Computational prediction analysis using REVEL suggests that the variant may impact the protein (PP3). Two in vitro functional studies demonstrates that this variant resulted in abnormal protein trafficking and retention of the protein in the endoplasmic reticulum; however, further electrical coupling studies were not performed (PS3_Supporting; PMID: 23967136, 26749107). In summary, due to conflicting evidence, the clinical significance of this variant is uncertain. ACMG/AMP criteria applied, as specified by the Hearing Loss Expert Panel: BS1_Supporting, BS2, PM3_Supporting, PS3_Supporting, PP3.

PreventionGenetics, part of Exact Sciences
Classification: Uncertain significance for GJB2-related condition. Last evaluated: 2026-02-25. Review status: criteria provided, single submitter. Criteria: ACMG Guidelines, 2015. Collection method: clinical testing. Allele origin: germline. Not counted in ClinVar's aggregate classification.
Comment: The GJB2 c.571T>C variant is predicted to result in the amino acid substitution p.Phe191Leu. This variant has been reported in the homozygous and compound heterozygous state in patients with nonsyndromic hearing loss (Oguchi et al. 2005. PubMed ID: 15700112; Dai et al. 2009. PubMed ID: 19366456; Posukh et al. 2019. PubMed ID: 31195736; Wei et al. 2013. PubMed ID: 23826813; Table S2, Hao et al. 2024. PubMed ID: 39443691). However, this variant has also been reported in the homozygous state in an individual with normal hearing (Wattanasirichaigoon et al. 2004. PubMed ID: 15479191). This variant is reported in 0.19% of alleles in individuals of East Asian descent in gnomAD, which is higher than expected for a fully penetrant pathogenic variant. This variant has been reported in ClinVar by the ClinGen Hearing Loss Variant Curation Expert Panel as uncertain (Variation ID: 44760). At this time, the clinical significance of this variant is uncertain due to the absence of conclusive functional and genetic evidence.

Medical and Scientific Branch, Hong Kong Genome Institute
Classification: Pathogenic for Autosomal recessive nonsyndromic hearing loss 1A. Last evaluated: 2026-01-26. Review status: criteria provided, single submitter. Criteria: ACMG Guidelines, 2015. Collection method: clinical testing. Allele origin: maternal. Affected: yes. Not counted in ClinVar's aggregate classification.

GeneDx
Classification: Uncertain significance. Last evaluated: 2025-07-26. Review status: criteria provided, single submitter. Criteria: GeneDx Variant Classification Process June 2021. Collection method: clinical testing. Allele origin: germline. Affected: yes. Not counted in ClinVar's aggregate classification.
Comment: Observed frequently in unrelated patients of Asian ancestry with sensorineural hearing loss, often in the heterozygous state with no second GJB2 variant identified (PMID: 28786104, 12792423, 19707039, 23826813); Reported in published literature in the homozygous state in a patient with mild sloping to severe hearing loss, and in the homozygous state in a clinically unaffected adult (PMID: 15479191, 15700112); Observed in a patient with bilateral profound sensorineural hearing loss who also harbored a de novo insertion/deletion variant involving the EYA1 gene (PMID: 33880118); Published functional studies demonstrate a damaging effect due to mislocalization of the protein, however, electrical coupling studies were not performed (PMID: 26749107); In silico analysis supports that this missense variant has a deleterious effect on protein structure/function; Classified as a variant of uncertain significance by the ClinGen Hearing Loss Expert Panel (SCV000886635.1; PMID:30311386); This variant is associated with the following publications: (PMID: 12772454, 22384008, 24158611, 30245029, 19366456, 24256046, 23967136, 12792423, 15790391, 19043807, 25808784, 25388846, 16840571, 27792752, 27247933, 31195736, 21366436, 26252218, 31992338, 31160754, 29871260, 15700112, 15479191, 19707039, 23826813, 34403091, 31581539, 35212567, 37373495, 38486023, 36048236, 26749107, 28786104, 33880118, 40054393, 39988971, 39948052, 20497192, 27627659, 12560944)

Labcorp Genetics (formerly Invitae), Labcorp
Classification: Uncertain significance. Last evaluated: 2024-07-12. Review status: criteria provided, single submitter. Criteria: Invitae Variant Classification Sherloc (09022015). Collection method: clinical testing. Allele origin: germline. Not counted in ClinVar's aggregate classification.
Comment: This sequence change replaces phenylalanine, which is neutral and non-polar, with leucine, which is neutral and non-polar, at codon 191 of the GJB2 protein (p.Phe191Leu). This variant is present in population databases (rs397516878, gnomAD 0.2%). This missense change has been observed in individual(s) with clinical features of autosomal recessive non-syndromic deafness (PMID: 12560944, 12792423, 15479191, 15790391, 26252218, 35212567). In at least one individual the data is consistent with being in trans (on the opposite chromosome) from a pathogenic variant. ClinVar contains an entry for this variant (Variation ID: 44760). Advanced modeling of protein sequence and biophysical properties (such as structural, functional, and spatial information, amino acid conservation, physicochemical variation, residue mobility, and thermodynamic stability) performed at Invitae indicates that this missense variant is expected to disrupt GJB2 protein function with a positive predictive value of 95%. Experimental studies have shown that this missense change affects GJB2 function (PMID: 23967136, 26749107). In summary, the available evidence is currently insufficient to determine the role of this variant in disease. Therefore, it has been classified as a Variant of Uncertain Significance.